The following is an entry in ClinVar:

NM_001368882.1(COL13A1):c.685-7_685-6del

Gene: COL13A1 (collagen type XIII alpha 1 chain; plus strand). Cytogenetic location: 10q22.1.
Variant type: Microsatellite.
Coding change: c.685-7_685-6del on transcript NM_001368882.1 (MANE Select); 7 bases into the intron before coding-DNA position 685 through 6 bases into the intron before coding-DNA position 685, 2 bases deleted (TC; older notation c.685-7_685-6delTC).
Molecular consequence: intron variant.
Genome position (GRCh38, 1-based): chr10:69,898,690-69,898,691, TC deleted; deleting any 2 consecutive bases within chr10:69,898,688-69,898,691 gives the same sequence; the c. name uses the placement nearest the transcript's 3' end. VCF-style (leftmost placement, unchanged base first): chr10-69898687-TTC-T. GRCh37 (hg19) VCF-style: chr10-71658443-TTC-T.
Other names: c.715-7_715-6del (NM_001130103.1, NM_001130103.2); c.685-7_685-6del (NM_001320951.2, NM_001368884.1); c.714+1159_714+1160del (NM_080801.4, NM_080802.4); c.658-7_658-6del (NM_080800.4); c.85-7_85-6del (NM_001368886.1); c.649-7_649-6del (NM_001368883.1, NM_001368885.1); c.627+1159_627+1160del (NM_080805.4); c.571-7_571-6del (NM_001368897.1); and 2 more.
Identifiers: ClinVar variation 730265 (VCV000730265.11), dbSNP rs764484500, ClinGen allele CA5534405.

ClinVar aggregate classification (germline): Likely benign. Review status: criteria provided, single submitter (1 of 4 stars). 2 submissions from 2 submitters: Likely benign (1). 1 of the submissions does not count toward it. Last evaluated 2026-01-20.

Conditions:
COL13A1-related disorder. Also called: COL13A1-related condition.

Submissions (2):

Labcorp Genetics (formerly Invitae), Labcorp
Classification: Likely benign. Last evaluated: 2026-01-20. Review status: criteria provided, single submitter. Criteria: Invitae Variant Classification Sherloc (09022015). Collection method: clinical testing. Allele origin: germline.

PreventionGenetics, part of Exact Sciences
Classification: Likely benign for COL13A1-related condition. Last evaluated: 2019-02-20. Review status: no assertion criteria provided. Collection method: clinical testing. Allele origin: germline. Not counted in ClinVar's aggregate classification.
Comment: This variant is classified as likely benign based on ACMG/AMP sequence variant interpretation guidelines (Richards et al. 2015 PMID: 25741868, with internal and published modifications).